The following is an entry in ClinVar:

NM_014249.4(NR2E3):c.444_477del (p.Pro150fs)

Gene: NR2E3 (nuclear receptor subfamily 2 group E member 3; plus strand). Cytogenetic location: 15q23.
Variant type: Deletion.
Coding change: c.444_477del on transcript NM_014249.4 (MANE Select); coding-DNA positions 444 to 477, 34 bases deleted.
Protein change: p.Pro150fs; shifts the reading frame from proline 150.
Molecular consequence: frameshift variant.
Genome position (GRCh38, 1-based): chr15:71,812,049-71,812,082, 34 bases deleted; deleting any 34 consecutive bases within chr15:71,812,046-71,812,082 gives the same sequence; the c. name uses the placement nearest the transcript's 3' end. GRCh37 (hg19): chr15:72,104,389-72,104,422.
Other names: c.444_477del, p.Pro150fs (NM_016346.4); short protein forms P150fs.
Identifiers: ClinVar variation 1391690 (VCV001391690.6), dbSNP rs2140289475, ClinGen allele CA2573151145.

ClinVar aggregate classification (germline): Pathogenic (1 of 4 stars; one submission).

Submission:

Labcorp Genetics (formerly Invitae), Labcorp
Classification: Pathogenic. Last evaluated: 2022-08-23. Review status: criteria provided, single submitter. Criteria: Invitae Variant Classification Sherloc (09022015). Collection method: clinical testing. Allele origin: germline.
Comment: This sequence change creates a premature translational stop signal (p.Pro150Hisfs*18) in the NR2E3 gene. It is expected to result in an absent or disrupted protein product. Loss-of-function variants in NR2E3 are known to be pathogenic (PMID: 15459973, 27522502). This variant is not present in population databases (gnomAD no frequency). This variant has not been reported in the literature in individuals affected with NR2E3-related conditions. ClinVar contains an entry for this variant (Variation ID: 1391690). For these reasons, this variant has been classified as Pathogenic.

Literature cited by the submitters: PubMed 15459973; PubMed 27522502.